The following is an entry in ClinVar:

ClinVar aggregate classification (germline): Conflicting classifications of pathogenicity. Review status: criteria provided, conflicting classifications (1 of 4 stars). 2 submissions from 2 submitters: Uncertain significance (1); Likely benign (1). Last evaluated 2025-06-18.

Conditions:
Hereditary cancer-predisposing syndrome. Also called: Tumor predisposition; Neoplastic Syndromes, Hereditary; Hereditary Cancer Syndrome; Hereditary neoplastic syndrome. Identifiers: Orphanet 140162, MedGen C0027672, MeSH D009386, MONDO:0015356.
Hereditary breast ovarian cancer syndrome. Also called: Hereditary breast and ovarian cancer syndrome; Hereditary breast and ovarian cancer; Hereditary breast and ovarian cancer syndrome (HBOC); Hereditary breast and/or ovarian cancer syndrome; Breast and ovarian cancer; BRCA1- and BRCA2-Associated Hereditary Breast and Ovarian Cancer. Identifiers: Orphanet 145, MedGen C0677776, MeSH D061325, MONDO:0003582. Disease mechanism: loss of function.

Submissions (2):

Labcorp Genetics (formerly Invitae), Labcorp
Classification: Uncertain significance for Hereditary breast ovarian cancer syndrome. Last evaluated: 2025-06-18. Review status: criteria provided, single submitter. Criteria: Invitae Variant Classification Sherloc (09022015). Collection method: clinical testing. Allele origin: germline.
Comment: This sequence change replaces serine, which is neutral and polar, with asparagine, which is neutral and polar, at codon 308 of the BRCA1 protein (p.Ser308Asn). This variant is not present in population databases (gnomAD no frequency). This variant has not been reported in the literature in individuals affected with BRCA1-related conditions. ClinVar contains an entry for this variant (Variation ID: 240832). Invitae Evidence Modeling of protein sequence and biophysical properties (such as structural, functional, and spatial information, amino acid conservation, physicochemical variation, residue mobility, and thermodynamic stability) indicates that this missense variant is not expected to disrupt BRCA1 protein function with a negative predictive value of 80%. Experimental studies are conflicting or provide insufficient evidence to determine the effect of this variant on BRCA1 function (PMID: 22262852). In summary, the available evidence is currently insufficient to determine the role of this variant in disease. Therefore, it has been classified as a Variant of Uncertain Significance.

University of Washington Department of Laboratory Medicine, University of Washington
Classification: Likely benign for Hereditary cancer-predisposing syndrome. Last evaluated: 2023-03-23. Review status: criteria provided, single submitter. Criteria: Dines et al. (Genet Med. 2020). Collection method: curation. Allele origin: germline.
Comment: Missense variant in a coldspot region where missense variants are very unlikely to be pathogenic (PMID:31911673).

BRCA1 coldspot (exon 11 using historical exon numbering). Reclassification based on statistical prior probability

Literature cited by the submitters: PubMed 22262852 (cited by Labcorp Genetics (formerly Invitae), Labcorp).

NM_007294.4(BRCA1):c.923G>A (p.Ser308Asn)

Gene: BRCA1 (BRCA1 DNA repair associated; minus strand). Cytogenetic location: 17q21.31.
Variant type: single nucleotide variant.
Coding change: c.923G>A on transcript NM_007294.4 (MANE Select); coding-DNA position 923, G replaced by A.
Protein change: p.Ser308Asn; replaces serine 308 with asparagine.
Molecular consequence: missense variant. On other transcripts: intron variant (137).
Genome position (GRCh38, 1-based): chr17:43,094,608, C>T on the plus strand (G>A on the coding strand, the complement: BRCA1 is on the minus strand). VCF-style: chr17-43094608-C-T. GRCh37 (hg19) VCF-style: chr17-41246625-C-T.
Other names: c.710G>A, p.Ser237Asn (NM_001407571.1, NM_001407853.1, NM_001407894.1 and 9 more transcripts); c.923G>A, p.Ser308Asn (NM_001407581.1, NM_001407582.1, NM_001407583.1 and 30 more transcripts); c.920G>A, p.Ser307Asn (NM_001407587.1, NM_001407590.1, NM_001407591.1 and 22 more transcripts); c.914G>A, p.Ser305Asn (NM_001407646.1, NM_001407647.1); c.800G>A, p.Ser267Asn (NM_001407648.1, NM_001407664.1, NM_001407665.1 and 19 more transcripts); c.797G>A, p.Ser266Asn (NM_001407649.1, NM_001407670.1, NM_001407671.1 and 11 more transcripts); c.845G>A, p.Ser282Asn (NM_001407653.1, NM_001407654.1, NM_001407655.1 and 4 more transcripts); c.842G>A, p.Ser281Asn (NM_001407659.1, NM_001407660.1, NM_001407661.1 and 1 more transcripts); and 40 more; short protein forms S308N, S261N, S180N, S219N, S220N, S238N, S240N, S260N.
Identifiers: ClinVar variation 240832 (VCV000240832.12), dbSNP rs561998108, ClinGen allele CA10583584.